The following is an entry in ClinVar:

ClinVar aggregate classification (germline): Likely benign (0 of 4 stars; one submission).

Conditions:
ZC3H4-related disorder. Also called: ZC3H4-related condition.

Allele frequency attached by ClinVar (database versions not stated): ExAC 0.00062; ESP Exome Variant Server 0.00125; TOPMed 0.00185; 1000 Genomes Project 0.00240; 1000 Genomes Project 30x 0.00250.
gnomAD v4.1: 540 of 1,602,884 alleles (0.034%); highest among the groups gnomAD compares: African/African-American, 0.54%; 2 homozygotes.

Submission:

PreventionGenetics, part of Exact Sciences
Classification: Likely benign for ZC3H4-related condition. Last evaluated: 2019-11-25. Review status: no assertion criteria provided. Collection method: clinical testing. Allele origin: germline.
Comment: This variant is classified as likely benign based on ACMG/AMP sequence variant interpretation guidelines (Richards et al. 2015 PMID: 25741868, with internal and published modifications).

NM_015168.2(ZC3H4):c.2683G>A (p.Ala895Thr)

Gene: ZC3H4 (zinc finger CCCH-type containing 4; minus strand). Cytogenetic location: 19q13.32.
Variant type: single nucleotide variant.
Coding change: c.2683G>A on transcript NM_015168.2 (MANE Select); coding-DNA position 2683, G replaced by A.
Protein change: p.Ala895Thr; replaces alanine 895 with threonine.
Molecular consequence: missense variant.
Genome position (GRCh38, 1-based): chr19:47,067,585, C>T on the plus strand (G>A on the coding strand, the complement: ZC3H4 is on the minus strand). VCF-style: chr19-47067585-C-T. GRCh37 (hg19) VCF-style: chr19-47570842-C-T.
Other names: short protein forms A895T.
Identifiers: ClinVar variation 3035899 (VCV003035899.2), dbSNP rs148102372, ClinGen allele CA9534819.
Genomic context (GRCh38, chr19:47,067,585, plus strand): 5'-AACTGCTGGGGCCCACAGGGCTGGAATGAAGGCTGCCTTCGGGCTTGGAGGTGGGCAGGG[C>T]GCGAGCCAGCCGAGGATCGGAGGGTCCCGAATCACCTGGGCCAGACCCGCCAGAAGCCTC-3'
Protein context (NP_055983.1, residues 885-905): SGPSDPRLAR[Ala895Thr]LPTSKPEGSL